The following is an entry in ClinVar:

ClinVar aggregate classification (germline): Benign/Likely benign. Review status: criteria provided, multiple submitters, no conflicts (2 of 4 stars). 9 submissions from 9 submitters: Benign (1); Likely benign (7). 1 of the submissions does not count toward it. Last evaluated 2026-02-02.

Conditions:
BRCA1-related disorder. Also called: BRCA1-related condition.
Hereditary cancer-predisposing syndrome. Also called: Tumor predisposition; Hereditary neoplastic syndrome; Hereditary Cancer Syndrome; Neoplastic Syndromes, Hereditary. Identifiers: Orphanet 140162, MedGen C0027672, MeSH D009386, MONDO:0015356.
Hereditary breast ovarian cancer syndrome. Also called: Hereditary breast and/or ovarian cancer syndrome; Breast and ovarian cancer; Hereditary breast and ovarian cancer syndrome; Hereditary breast and ovarian cancer; Hereditary breast and ovarian cancer syndrome (HBOC); BRCA1- and BRCA2-Associated Hereditary Breast and Ovarian Cancer. Identifiers: Orphanet 145, MedGen C0677776, MeSH D061325, MONDO:0003582. Disease mechanism: loss of function.
Breast-ovarian cancer, familial, susceptibility to, 1 (BROVCA1). Also called: BRCA1 Hereditary Breast and Ovarian Cancer; OVARIAN CANCER, SUSCEPTIBILITY TO. Identifiers: Orphanet 145, MedGen C2676676, MONDO:0011450, OMIM 604370. Disease mechanism: loss of function.

Submissions (9):

Labcorp Genetics (formerly Invitae), Labcorp
Classification: Benign for Hereditary breast ovarian cancer syndrome. Last evaluated: 2026-02-02. Review status: criteria provided, single submitter. Criteria: Invitae Variant Classification Sherloc (09022015). Collection method: clinical testing. Allele origin: germline.

PreventionGenetics, part of Exact Sciences
Classification: Likely benign for BRCA1-related condition. Last evaluated: 2025-10-27. Review status: criteria provided, single submitter. Criteria: ACMG Guidelines, 2015. Collection method: clinical testing. Allele origin: germline.
Comment: This variant is classified as likely benign based on ACMG/AMP sequence variant interpretation guidelines (Richards et al. 2015 PMID: 25741868, with internal and published modifications).

Center for Genomic Medicine, Rigshospitalet, Copenhagen University Hospital
Classification: Likely benign. Last evaluated: 2025-03-04. Review status: criteria provided, single submitter. Criteria: ACMG Guidelines, 2015. Collection method: clinical testing. Allele origin: germline.

Quest Diagnostics Nichols Institute San Juan Capistrano
Classification: Likely benign. Last evaluated: 2023-08-17. Review status: criteria provided, single submitter. Criteria: Quest Diagnostics criteria. Collection method: clinical testing. Allele origin: unknown.

Sema4
Classification: Likely benign for Hereditary cancer-predisposing syndrome. Last evaluated: 2021-07-18. Review status: criteria provided, single submitter. Criteria: Sema4 Curation Guidelines. Collection method: curation. Allele origin: germline.

GeneDx
Classification: Likely benign. Last evaluated: 2018-10-12. Review status: criteria provided, single submitter. Criteria: GeneDx Variant Classification Process June 2021. Collection method: clinical testing. Allele origin: germline. Affected: yes.
Comment: This variant is associated with the following publications: (PMID: 30702160, 23451180, 10340909, 16267036, 21769658, 23893897, 20104584, 7894493)

Color Diagnostics, LLC DBA Color Health
Classification: Likely benign for Hereditary cancer-predisposing syndrome. Last evaluated: 2017-05-07. Review status: criteria provided, single submitter. Criteria: ACMG Guidelines, 2015. Collection method: clinical testing. Allele origin: germline.

Ambry Genetics
Classification: Likely benign for Hereditary cancer-predisposing syndrome. Last evaluated: 2017-02-09. Review status: criteria provided, single submitter. Criteria: Ambry Variant Classification Scheme 2023. Collection method: clinical testing. Allele origin: germline.

Breast Cancer Information Core (BIC) (BRCA1)
Classification: Uncertain significance for Breast-ovarian cancer, familial 1. Last evaluated: 2004-02-20. Review status: no assertion criteria provided. Collection method: clinical testing. Allele origin: germline, unknown. Affected: yes. Observed: 2 variant alleles. Not counted in ClinVar's aggregate classification.

Literature cited by the submitters: PubMed 21769658 (cited by Quest Diagnostics Nichols Institute San Juan Capistrano); PubMed 23451180 (cited by Quest Diagnostics Nichols Institute San Juan Capistrano); PubMed 29168416 (cited by Quest Diagnostics Nichols Institute San Juan Capistrano).

NM_007294.4(BRCA1):c.548-3del

Gene: BRCA1 (BRCA1 DNA repair associated; minus strand). Cytogenetic location: 17q21.31.
Variant type: Deletion.
Coding change: c.548-3del on transcript NM_007294.4 (MANE Select); 3 bases into the intron before coding-DNA position 548, one base deleted (T; older notation c.548-3delT).
Molecular consequence: intron variant.
Genome position (GRCh38, 1-based): chr17:43,097,292, A deleted on the plus strand (T on the coding strand, the reverse complement: BRCA1 is on the minus strand); the first of 6 consecutive A bases (chr17:43,097,292-43,097,297); deleting any one gives the same sequence. VCF-style (leftmost placement, unchanged base first): chr17-43097291-TA-T. GRCh37 (hg19) VCF-style: chr17-41249308-TA-T.
Other names: IVS8-3delT; c.548-3delT (NM_007294.3, NM_007294.4); c.407-3del (NM_001408458.1, NM_001408469.1, NM_001408453.1 and 43 more transcripts); c.-218-2432del (NM_001407967.1, NM_001407966.1); c.167-3del (NM_001407959.1, NM_001408510.1, NM_001407963.1 and 1 more transcripts); c.404-2432del (NM_001407931.1, NM_001407932.1, NM_001408503.1 and 5 more transcripts); c.404-3del (NM_001407747.1, NM_001408470.1, NM_001407848.1 and 26 more transcripts); c.164-3del (NM_001407962.1); and 19 more.
Identifiers: ClinVar variation 125887 (VCV000125887.31), dbSNP rs398122353, ClinGen allele CA003653.